The following is an entry in ClinVar:

NM_001042492.3(NF1):c.61-2A>G

Gene: NF1 (neurofibromin 1; plus strand). Cytogenetic location: 17q11.2.
Variant type: single nucleotide variant.
Coding change: c.61-2A>G on transcript NM_001042492.3 (MANE Select); the canonical splice acceptor site of the intron before coding-DNA position 61, A replaced by G.
Molecular consequence: splice acceptor variant.
Genome position (GRCh38, 1-based): chr17:31,155,981, A>G. VCF-style: chr17-31155981-A-G. GRCh37 (hg19) VCF-style: chr17-29482999-A-G.
Other names: c.61-2A>G (NM_000267.4, NM_001128147.3).
Identifiers: ClinVar variation 457782 (VCV000457782.14), dbSNP rs1131691100, ClinGen allele CA398987994.
Genomic context (GRCh38, chr17:31,155,981, plus strand): 5'-GTTATTTATGGTCGTTTTTAAGGATAAGCTGTTAACGTGTTTTTTTTTTCTTTTTTTTTC[A>G]GCTTCCAATAAAAACAGGACAGCAGAACACACATACCAAAGTCAGTACTGAGCACAACAA-3'

ClinVar aggregate classification (germline): Pathogenic/Likely pathogenic. Review status: criteria provided, multiple submitters, no conflicts (2 of 4 stars). 4 submissions from 4 submitters: Pathogenic (3); Likely pathogenic (1). Last evaluated 2025-04-22.

Conditions:
Cardiovascular phenotype. Identifiers: MedGen CN230736.
Hereditary cancer-predisposing syndrome. Also called: Hereditary Cancer Syndrome; Hereditary neoplastic syndrome; Tumor predisposition; Neoplastic Syndromes, Hereditary. Identifiers: Orphanet 140162, MedGen C0027672, MeSH D009386, MONDO:0015356.
Neurofibromatosis, type 1 (NF1). Also called: VON RECKLINGHAUSEN DISEASE; NEUROFIBROMATOSIS, TYPE I, SOMATIC; Peripheral type neurofibromatosis; Neurofibromatosis, type I. Identifiers: Orphanet 636, MedGen C0027831, MONDO:0018975, OMIM 162200. Disease mechanism: loss of function.

Submissions (4):

Labcorp Genetics (formerly Invitae), Labcorp
Classification: Pathogenic for Neurofibromatosis, type 1. Last evaluated: 2025-04-22. Review status: criteria provided, single submitter. Criteria: Invitae Variant Classification Sherloc (09022015). Collection method: clinical testing. Allele origin: germline.
Comment: This sequence change affects an acceptor splice site in intron 1 of the NF1 gene. It is expected to disrupt RNA splicing. Variants that disrupt the donor or acceptor splice site typically lead to a loss of protein function (PMID: 16199547), and loss-of-function variants in NF1 are known to be pathogenic (PMID: 10712197, 23913538). This variant is not present in population databases (gnomAD no frequency). Disruption of this splice site has been observed in individual(s) with clinical features of neurofibromatosis type 1 (PMID: 18546366, 27838393, 33673806; internal data). Invitae Evidence Modeling of clinical and family history, age, sex, and reported ancestry of multiple individuals with this NF1 variant has been performed. This variant is expected to be pathogenic with a positive predictive value of at least 99%. This is a validated machine learning model that incorporates the clinical features of 1,785,918 individuals referred to our laboratory for NF1 testing. ClinVar contains an entry for this variant (Variation ID: 457782). Algorithms developed to predict the effect of sequence changes on RNA splicing suggest that this variant may disrupt the consensus splice site. For these reasons, this variant has been classified as Pathogenic.

Genome-Nilou Lab
Classification: Pathogenic for Neurofibromatosis, type 1. Last evaluated: 2022-03-15. Review status: criteria provided, single submitter. Criteria: ACMG Guidelines, 2015. Collection method: clinical testing. Allele origin: germline. Affected: no.

GeneDx
Classification: Likely pathogenic. Last evaluated: 2022-01-20. Review status: criteria provided, single submitter. Criteria: GeneDx Variant Classification Process June 2021. Collection method: clinical testing. Allele origin: germline. Affected: yes.
Comment: Canonical splice site variant expected to result in aberrant splicing leading to an inframe deletion of the adjacent exon; Not observed at significant frequency in large population cohorts (gnomAD); Deletions involving coding exons of this gene are a known mechanism of disease (HGMD); Observed in individuals with suspected or clinically diagnosed Neurofibromatosis type 1 referred for genetic testing at GeneDx and in the published literature (Pros 2008, Sabbagh 2013); This variant is associated with the following publications: (PMID: 25525159, 23913538, 18546366, 33673806)

Ambry Genetics
Classification: Pathogenic for Cardiovascular phenotype; Hereditary cancer-predisposing syndrome. Last evaluated: 2017-03-08. Review status: criteria provided, single submitter. Criteria: Ambry Variant Classification Scheme 2023. Collection method: clinical testing. Allele origin: germline.
Comment: The c.61-2A>G intronic pathogenic mutation results from an A to G substitution two nucleotides upstream from coding exon 2 in the NF1 gene. This mutation has been reported in an individual suspected to have neurofibromatosis type 1 (NF1), with functional mRNA studies using RT-PCR that confirmed this alteration causes use of a cryptic site in exon 2 with an out-of-frame deletion of the first 16 nucleotides (Pros E et al. Hum. Mutat. 2008 Sep;29(9):E173-93). In addition to the clinical data presented in the literature, alterations that disrupt the canonical splice site are expected to cause aberrant splicing, resulting in an abnormal protein or a transcript that is subject to nonsense-mediated mRNA decay. As such, this alteration is classified as a disease-causing mutation.

Literature cited by the submitters: PubMed 16199547 (cited by Labcorp Genetics (formerly Invitae), Labcorp); PubMed 10712197 (cited by Labcorp Genetics (formerly Invitae), Labcorp); PubMed 23913538 (cited by Labcorp Genetics (formerly Invitae), Labcorp); PubMed 18546366 (cited by Labcorp Genetics (formerly Invitae), Labcorp); PubMed 27838393 (cited by Labcorp Genetics (formerly Invitae), Labcorp); PubMed 33673806 (cited by Labcorp Genetics (formerly Invitae), Labcorp).